The following is an entry in ClinVar:

NM_152424.4(AMER1):c.1649C>A (p.Pro550Gln)

Gene: AMER1 (APC membrane recruitment protein 1; minus strand). Cytogenetic location: Xq11.2.
Variant type: single nucleotide variant.
Coding change: c.1649C>A on transcript NM_152424.4 (MANE Select); coding-DNA position 1649, C replaced by A.
Protein change: p.Pro550Gln; replaces proline 550 with glutamine.
Molecular consequence: missense variant.
Genome position (GRCh38, 1-based): chrX:64,191,638, G>T on the plus strand (C>A on the coding strand, the complement: AMER1 is on the minus strand). VCF-style: chrX-64191638-G-T. GRCh37 (hg19) VCF-style: chrX-63411518-G-T.
Other names: short protein forms P550Q.
Identifiers: ClinVar variation 2825798 (VCV002825798.3), dbSNP rs2147087769, ClinGen allele CA413307006.

ClinVar aggregate classification (germline): Uncertain significance (1 of 4 stars; one submission).

Submission:

Labcorp Genetics (formerly Invitae), Labcorp
Classification: Uncertain significance. Last evaluated: 2023-01-17. Review status: criteria provided, single submitter. Criteria: Invitae Variant Classification Sherloc (09022015). Collection method: clinical testing. Allele origin: germline.
Comment: In summary, the available evidence is currently insufficient to determine the role of this variant in disease. Therefore, it has been classified as a Variant of Uncertain Significance. Algorithms developed to predict the effect of missense changes on protein structure and function are either unavailable or do not agree on the potential impact of this missense change (SIFT: "Deleterious"; PolyPhen-2: "Probably Damaging"; Align-GVGD: "Class C0"). This variant has not been reported in the literature in individuals affected with AMER1-related conditions. This variant is not present in population databases (gnomAD no frequency). This sequence change replaces proline, which is neutral and non-polar, with glutamine, which is neutral and polar, at codon 550 of the AMER1 protein (p.Pro550Gln).